The following is an entry in ClinVar:

NM_001365951.3(KIF1B):c.184C>T (p.Pro62Ser)

Gene: KIF1B (kinesin family member 1B; plus strand). Cytogenetic location: 1p36.22.
Variant type: single nucleotide variant.
Coding change: c.184C>T on transcript NM_001365951.3 (MANE Select); coding-DNA position 184, C replaced by T.
Protein change: p.Pro62Ser; replaces proline 62 with serine.
Molecular consequence: missense variant.
Genome position (GRCh38, 1-based): chr1:10,258,493, C>T. VCF-style: chr1-10258493-C-T. GRCh37 (hg19) VCF-style: chr1-10318551-C-T.
Other names: c.184C>T, p.Pro62Ser (NM_001365952.1, NM_001365953.1, NM_015074.3 and 1 more transcripts); short protein forms P62S.
Identifiers: ClinVar variation 3533921 (VCV003533921.1).

ClinVar aggregate classification (germline): Uncertain significance (1 of 4 stars; one submission).

Submission:

Ambry Genetics
Classification: Uncertain significance. Last evaluated: 2024-07-05. Review status: criteria provided, single submitter. Criteria: Ambry Variant Classification Scheme 2023. Collection method: clinical testing. Allele origin: germline.
Comment: The p.P62S variant (also known as c.184C>T) is located in coding exon 3 of the KIF1B gene. The proline at codon 62 is replaced by serine, an amino acid with similar properties. This change occurs in the first base pair of coding exon 3. This amino acid position is conserved. In addition, this alteration is predicted to be tolerated by in silico analysis. Based on the available evidence, the clinical significance of this variant remains unclear.